The following is an entry in ClinVar:

NM_001267550.2(TTN):c.54761T>C (p.Ile18254Thr)

Genes: TTN (titin; minus strand), TTN-AS1 (TTN antisense RNA 1; plus strand). Cytogenetic location: 2q31.2.
Variant type: single nucleotide variant.
Coding change: c.54761T>C on transcript NM_001267550.2 (MANE Select); coding-DNA position 54761, T replaced by C.
Protein change: p.Ile18254Thr; replaces isoleucine 18254 with threonine.
Molecular consequence: missense variant.
Genome position (GRCh38, 1-based): chr2:178,603,926, A>G on the plus strand (T>C on the coding strand, the complement: TTN is on the minus strand). VCF-style: chr2-178603926-A-G. GRCh37 (hg19) VCF-style: chr2-179468653-A-G.
Other names: c.49838T>C, p.Ile16613Thr (NM_001256850.1); c.27566T>C, p.Ile9189Thr (NM_003319.4); c.47057T>C, p.Ile15686Thr (NM_133378.4); c.27941T>C, p.Ile9314Thr (NM_133432.3); c.28142T>C, p.Ile9381Thr (NM_133437.4); short protein forms I15686T, I16613T, I18254T, I9189T, I9314T, I9381T.
Identifiers: ClinVar variation 3257317 (VCV003257317.17).

ClinVar aggregate classification (germline): Uncertain significance (1 of 4 stars; one submission).

gnomAD v4.1: 5 of 1,612,030 alleles (0.00031%); highest among the groups gnomAD compares: Non-Finnish European, 0.00034%; no homozygotes.

Submission:

CeGaT Center for Human Genetics Tuebingen
Classification: Uncertain significance. Last evaluated: 2024-07-01. Review status: criteria provided, single submitter. Criteria: CeGaT Center For Human Genetics Tuebingen Variant Classification Criteria Version 2. Collection method: clinical testing. Allele origin: germline. Affected: yes. Observed: 1 variant allele.
Comment: TTN: PM2, BP4